The following is an entry in ClinVar:

ClinVar aggregate classification (germline): Uncertain significance. Review status: criteria provided, multiple submitters, no conflicts (2 of 4 stars). 2 submissions from 2 submitters: Uncertain significance (2). Last evaluated 2023-10-09.

Conditions:
Pancreatic adenocarcinoma. Identifiers: MedGen C0281361, MONDO:0006047, HP:0006725.

Allele frequency attached by ClinVar (database versions not stated): TOPMed 0.00002; gnomAD exomes 0.00001; gnomAD 0.00001.
gnomAD v4.1: 16 of 1,612,586 alleles (0.00099%); highest among the groups gnomAD compares: Non-Finnish European, 0.0013%; no homozygotes.

Submissions (2):

Ambry Genetics
Classification: Uncertain significance. Last evaluated: 2023-10-09. Review status: criteria provided, single submitter. Criteria: Ambry Variant Classification Scheme 2023. Collection method: clinical testing. Allele origin: germline.
Comment: The p.C834F variant (also known as c.2501G>T), located in coding exon 13 of the PALLD gene, results from a G to T substitution at nucleotide position 2501. The cysteine at codon 834 is replaced by phenylalanine, an amino acid with highly dissimilar properties. This amino acid position is conserved. In addition, this alteration is predicted to be deleterious by in silico analysis. Since supporting evidence is limited at this time, the clinical significance of this alteration remains unclear.

Labcorp Genetics (formerly Invitae), Labcorp
Classification: Uncertain significance for Pancreatic adenocarcinoma. Last evaluated: 2021-12-31. Review status: criteria provided, single submitter. Criteria: Invitae Variant Classification Sherloc (09022015). Collection method: clinical testing. Allele origin: germline.
Comment: This sequence change replaces cysteine, which is neutral and slightly polar, with phenylalanine, which is neutral and non-polar, at codon 347 of the PALLD protein (p.Cys347Phe). In summary, the available evidence is currently insufficient to determine the role of this variant in disease. Therefore, it has been classified as a Variant of Uncertain Significance. Algorithms developed to predict the effect of missense changes on protein structure and function are either unavailable or do not agree on the potential impact of this missense change (SIFT: "Deleterious"; PolyPhen-2: "Benign"; Align-GVGD: "Class C65"). This variant has not been reported in the literature in individuals affected with PALLD-related conditions. This variant is present in population databases (no rsID available, gnomAD 0.0009%).

NM_001166108.2(PALLD):c.2552G>T (p.Cys851Phe)

Genes: CBR4 (carbonyl reductase 4; minus strand), PALLD (palladin, cytoskeletal associated protein; plus strand). Cytogenetic location: 4q32.3.
Variant type: single nucleotide variant.
Coding change: c.2552G>T on transcript NM_001166108.2 (MANE Select); coding-DNA position 2552, G replaced by T.
Protein change: p.Cys851Phe; replaces cysteine 851 with phenylalanine.
Molecular consequence: missense variant.
Genome position (GRCh38, 1-based): chr4:168,903,836, G>T. VCF-style: chr4-168903836-G-T. GRCh37 (hg19) VCF-style: chr4-169824987-G-T.
Other names: c.1355G>T, p.Cys452Phe (NM_001166109.2); c.1040G>T, p.Cys347Phe (NM_001166110.2); c.380G>T, p.Cys127Phe (NM_001367567.1, NM_001367569.1); c.431G>T, p.Cys144Phe (NM_001367568.1, NM_001367570.1); c.2501G>T, p.Cys834Phe (NM_016081.4); short protein forms C452F, C144F, C834F, C851F, C127F, C347F.
Identifiers: ClinVar variation 1792261 (VCV001792261.7), dbSNP rs1197603175, ClinGen allele CA358799411.